The following is an entry in ClinVar:

ClinVar aggregate classification (germline): Uncertain significance. Review status: criteria provided, multiple submitters, no conflicts (2 of 4 stars). 2 submissions from 2 submitters: Uncertain significance (2). Last evaluated 2026-04-16.

Conditions:
TTN-related disorder. Also called: TTN-related disorders; TTN-related condition; TTN-related disease.

Allele frequency attached by ClinVar (database versions not stated): TOPMed below 0.00001; gnomAD 0.00001.
gnomAD v4.1: 3 of 1,608,218 alleles (0.00019%); highest among the groups gnomAD compares: African/African-American, 0.0027%; no homozygotes.

Submissions (2):

PreventionGenetics, part of Exact Sciences
Classification: Uncertain significance for TTN-related condition. Last evaluated: 2026-04-16. Review status: criteria provided, single submitter. Criteria: ACMG Guidelines, 2015. Collection method: clinical testing. Allele origin: germline.
Comment: The TTN c.55339C>G variant is predicted to result in the amino acid substitution p.Pro18447Ala. To our knowledge, this variant has not been reported in the literature or in a large population database (gnomAD), indicating this variant is rare. At this time, the clinical significance of this variant is uncertain due to the absence of conclusive functional and genetic evidence.

Women's Health and Genetics/Laboratory Corporation of America, LabCorp
Classification: Uncertain significance. Last evaluated: 2023-06-30. Review status: criteria provided, single submitter. Criteria: LabCorp Variant Classification Summary - May 2015. Collection method: clinical testing. Allele origin: germline.
Comment: Variant summary: TTN c.47635C>G (p.Pro15879Ala) results in a non-conservative amino acid change located in the A-band region of the encoded protein sequence. Two of three in-silico tools predict a damaging effect of the variant on protein function. The variant was absent in 242854 control chromosomes (gnomAD). The available data on variant occurrences in the general population are insufficient to allow any conclusion about variant significance. To our knowledge, no occurrence of c.47635C>G in individuals affected with Limb-Girdle Muscular Dystrophy, Type 2J and no experimental evidence demonstrating its impact on protein function have been reported. No submitters have cited clinical-significance assessments for this variant to ClinVar after 2014. Based on the evidence outlined above, the variant was classified as uncertain significance.

NM_001267550.2(TTN):c.55339C>G (p.Pro18447Ala)

Genes: TTN (titin; minus strand), TTN-AS1 (TTN antisense RNA 1; plus strand). Cytogenetic location: 2q31.2.
Variant type: single nucleotide variant.
Coding change: c.55339C>G on transcript NM_001267550.2 (MANE Select); coding-DNA position 55339, C replaced by G.
Protein change: p.Pro18447Ala; replaces proline 18447 with alanine.
Molecular consequence: missense variant.
Genome position (GRCh38, 1-based): chr2:178,601,751, G>C on the plus strand (C>G on the coding strand, the complement: TTN is on the minus strand). VCF-style: chr2-178601751-G-C. GRCh37 (hg19) VCF-style: chr2-179466478-G-C.
Other names: c.50416C>G, p.Pro16806Ala (NM_001256850.1); c.28144C>G, p.Pro9382Ala (NM_003319.4); c.47635C>G, p.Pro15879Ala (NM_133378.4); c.28519C>G, p.Pro9507Ala (NM_133432.3); c.28720C>G, p.Pro9574Ala (NM_133437.4); short protein forms P15879A, P16806A, P18447A, P9382A, P9507A, P9574A.
Identifiers: ClinVar variation 2573635 (VCV002573635.2), dbSNP rs2053509362, ClinGen allele CA349542235.
Genomic context (GRCh38, chr2:178,601,751, plus strand): 5'-GTCCTGCTTTATTCTTGGCTGTGATGCTGTATTTGCCTGTATGAGATCGTTTACACTCCG[G>C]AATAATAATTACTGAGGAGTTTTCAGCAGTCTCCAGCTGTACAAAGAAAATAGTAGTCAT-3'
Protein context (NP_001254479.2, residues 18437-18457): TAENSSVIII[Pro18447Ala]ECKRSHTGKY